The following is an entry in ClinVar:

ClinVar aggregate classification (germline): Uncertain significance (1 of 4 stars; one submission).

Conditions:
Chédiak-Higashi syndrome (CHS). Also called: Chediak-Higashi Syndrome. Identifiers: Orphanet 167, MedGen C0007965, MONDO:0008963, OMIM 214500.

Submission:

Labcorp Genetics (formerly Invitae), Labcorp
Classification: Uncertain significance for Chédiak-Higashi syndrome. Last evaluated: 2022-08-24. Review status: criteria provided, single submitter. Criteria: Invitae Variant Classification Sherloc (09022015). Collection method: clinical testing. Allele origin: germline.
Comment: Algorithms developed to predict the effect of missense changes on protein structure and function output the following: SIFT: "Tolerated"; PolyPhen-2: "Benign"; Align-GVGD: "Class C0". The valine amino acid residue is found in multiple mammalian species, which suggests that this missense change does not adversely affect protein function. In summary, the available evidence is currently insufficient to determine the role of this variant in disease. Therefore, it has been classified as a Variant of Uncertain Significance. This sequence change replaces alanine, which is neutral and non-polar, with valine, which is neutral and non-polar, at codon 2547 of the LYST protein (p.Ala2547Val). This variant is not present in population databases (gnomAD no frequency). This variant has not been reported in the literature in individuals affected with LYST-related conditions.

NM_000081.4(LYST):c.7640C>T (p.Ala2547Val)

Gene: LYST (lysosomal trafficking regulator; minus strand). Cytogenetic location: 1q42.3.
Variant type: single nucleotide variant.
Coding change: c.7640C>T on transcript NM_000081.4 (MANE Select); coding-DNA position 7640, C replaced by T.
Protein change: p.Ala2547Val; replaces alanine 2547 with valine.
Molecular consequence: missense variant.
Genome position (GRCh38, 1-based): chr1:235,751,350, G>A on the plus strand (C>T on the coding strand, the complement: LYST is on the minus strand). VCF-style: chr1-235751350-G-A. GRCh37 (hg19) VCF-style: chr1-235914650-G-A.
Other names: c.7640C>T, p.Ala2547Val (NM_001301365.1); short protein forms A2547V.
Identifiers: ClinVar variation 2071850 (VCV002071850.4), dbSNP rs749087595, ClinGen allele CA1466084.